The following is an entry in ClinVar:

NM_000256.3(MYBPC3):c.2503C>T (p.Arg835Cys)

Gene: MYBPC3 (myosin binding protein C3; minus strand). Cytogenetic location: 11p11.2.
Variant type: single nucleotide variant.
Coding change: c.2503C>T on transcript NM_000256.3 (MANE Select); coding-DNA position 2503, C replaced by T.
Protein change: p.Arg835Cys; replaces arginine 835 with cysteine.
Molecular consequence: missense variant.
Genome position (GRCh38, 1-based): chr11:47,337,490, G>A on the plus strand (C>T on the coding strand, the complement: MYBPC3 is on the minus strand). VCF-style: chr11-47337490-G-A. GRCh37 (hg19) VCF-style: chr11-47359041-G-A.
Other names: short protein forms R835C.
Identifiers: ClinVar variation 3069665 (VCV003069665.2), dbSNP rs765356720, ClinGen allele CA078764.

ClinVar aggregate classification (germline): Uncertain significance. Review status: criteria provided, multiple submitters, no conflicts (2 of 4 stars). 2 submissions from 2 submitters: Uncertain significance (2). Last evaluated 2023-11-02.

Conditions:
Left ventricular noncompaction 10 (LVNC10). Identifiers: Orphanet 154, Orphanet 54260, MedGen C3715165, MONDO:0014163, OMIM 615396.
Hypertrophic cardiomyopathy. Also called: HYPERTROPHIC MYOCARDIOPATHY. Identifiers: Orphanet 217569, MedGen C0007194, MeSH D002312, MONDO:0005045, HP:0001639.

Submissions (2):

All of Us Research Program, National Institutes of Health
Classification: Uncertain significance for Hypertrophic cardiomyopathy. Last evaluated: 2023-11-02. Review status: criteria provided, single submitter. Criteria: ACMG Guidelines, 2015. Collection method: clinical testing. Allele origin: germline. Inheritance: Autosomal dominant inheritance. Observed: 2 variant alleles, 2 heterozygotes.
Comment: This missense variant replaces arginine with cysteine at codon 835 of the MYBPC3 protein. Computational prediction suggests that this variant may not impact protein structure and function (internally defined REVEL score threshold <= 0.5, PMID: 27666373). To our knowledge, functional studies have not been reported for this variant. This variant has been reported in an individual affected with hypertrophic cardiomyopathy (PMID: 27532257). This variant has been identified in 4/249060 chromosomes in the general population by the Genome Aggregation Database (gnomAD). The available evidence is insufficient to determine the role of this variant in disease conclusively. Therefore, this variant is classified as a Variant of Uncertain Significance.

This study involves interpretation of variants in research participants for the purpose of population health screening. Participant phenotype was not available at the time of variant classification. Additional details can be found in publication PMID: 35346344, PMCID: PMC8962531

Victorian Clinical Genetics Services, Murdoch Childrens Research Institute
Classification: Uncertain significance for Left ventricular noncompaction 10. Last evaluated: 2023-07-17. Review status: criteria provided, single submitter. Criteria: ACMG Guidelines, 2015. Collection method: clinical testing. Allele origin: germline. Inheritance: Autosomal dominant inheritance. Affected: yes.
Comment: Based on the classification scheme VCGS_Germline_v1.3.4, this variant is classified as VUS-3B. Following criteria are met: 0102 - Loss of function is a known mechanism of disease in this gene and is associated with hypertrophic cardiomyopathy 4 (HCM; MIM#115197). (I) 0108 - This gene is associated with both recessive and dominant disease. Dominant inheritance is frequently reported in adult onset conditions and recessive inheritance results in a more severe early onset phenotype (OMIM). (I) 0115 - Variants in this gene are known to have variable expressivity (PMID: 32841044). (I) 0200 - Variant is predicted to result in a missense amino acid change from arginine to cysteine. (I) 0251 - This variant is heterozygous. (I) 0302 - Variant is present in gnomAD (v2) <0.001 for a dominant condition (4 heterozygotes, 0 homozygotes). (SP) 0309 - Multiple alternative amino acid changes at the same position have been observed in gnomAD (v2) (highest allele count: 14 heterozygotes, 0 homozygotes). (I) 0502 - Missense variant with conflicting in silico predictions and uninformative conservation. (I) 0600 - Variant is located in the annotated fibronectin type III domain (DECIPHER). (I) 0710 - Other missense variants comparable to the one identified in this case have inconclusive previous evidence for pathogenicity. These alternative changes (p.(Arg835Leu), p.(Arg835Ser), p.(Arg835Gly)) have been reported as VUSs and once as likely benign. They have been observed in mostly HCM cohorts, and a single cohort with dilated cardiomyopathy (ClinVar, PMID: 35284542; PMID: 28840316). (I) 0809 - Previous evidence of pathogenicity for this variant is inconclusive. This variant has been reported as a VUS, and observed twice in HCM cohorts (PMID: 33495597). (I) 0905 - No published segregation evidence has been identified for this variant. (I) 1007 - No published functional evidence has been identified for this variant. (I) 1208 - Inheritance information for this variant is not currently available in this individual. (I) Legend: (SP) - Supporting pathogenic, (I) - Information, (SB) - Supporting benign

Literature cited by the submitters: PubMed 27532257 (cited by All of Us Research Program, National Institutes of Health); PubMed 28840316 (cited by Victorian Clinical Genetics Services, Murdoch Childrens Research Institute); PubMed 32841044 (cited by Victorian Clinical Genetics Services, Murdoch Childrens Research Institute); PubMed 33495597 (cited by Victorian Clinical Genetics Services, Murdoch Childrens Research Institute); PubMed 35284542 (cited by Victorian Clinical Genetics Services, Murdoch Childrens Research Institute).